The following is an entry in ClinVar:

ClinVar aggregate classification (germline): Conflicting classifications of pathogenicity. Review status: criteria provided, conflicting classifications (1 of 4 stars). 2 submissions from 2 submitters: Uncertain significance (1); Likely benign (1). Last evaluated 2025-12-09.

Conditions:
Hereditary cancer-predisposing syndrome. Also called: Neoplastic Syndromes, Hereditary; Hereditary Cancer Syndrome; Hereditary neoplastic syndrome; Tumor predisposition. Identifiers: Orphanet 140162, MedGen C0027672, MeSH D009386, MONDO:0015356.

Allele frequency attached by ClinVar (database versions not stated): gnomAD exomes below 0.00001; ExAC 0.00001.
gnomAD v4.1: 6 of 1,614,112 alleles (0.00037%); no homozygotes.

Submissions (2):

Labcorp Genetics (formerly Invitae), Labcorp
Classification: Uncertain significance. Last evaluated: 2025-12-09. Review status: criteria provided, single submitter. Criteria: Invitae Variant Classification Sherloc (09022015). Collection method: clinical testing. Allele origin: germline.
Comment: This sequence change replaces threonine, which is neutral and polar, with serine, which is neutral and polar, at codon 207 of the POLE protein (p.Thr207Ser). This variant is present in population databases (rs748503586, gnomAD 0.01%). This variant has not been reported in the literature in individuals affected with POLE-related conditions. ClinVar contains an entry for this variant (Variation ID: 540707). Invitae Evidence Modeling of protein sequence and biophysical properties (such as structural, functional, and spatial information, amino acid conservation, physicochemical variation, residue mobility, and thermodynamic stability) indicates that this missense variant is not expected to disrupt POLE protein function with a negative predictive value of 80%. In summary, the available evidence is currently insufficient to determine the role of this variant in disease. Therefore, it has been classified as a Variant of Uncertain Significance.

Ambry Genetics
Classification: Likely benign for Hereditary cancer-predisposing syndrome. Last evaluated: 2024-12-18. Review status: criteria provided, single submitter. Criteria: Ambry Variant Classification Scheme 2023. Collection method: clinical testing. Allele origin: germline.

NM_006231.4(POLE):c.620C>G (p.Thr207Ser)

Gene: POLE (DNA polymerase epsilon, catalytic subunit; minus strand). Cytogenetic location: 12q24.33.
Variant type: single nucleotide variant.
Coding change: c.620C>G on transcript NM_006231.4 (MANE Select); coding-DNA position 620, C replaced by G.
Protein change: p.Thr207Ser; replaces threonine 207 with serine.
Molecular consequence: missense variant.
Genome position (GRCh38, 1-based): chr12:132,677,678, G>C on the plus strand (C>G on the coding strand, the complement: POLE is on the minus strand). VCF-style: chr12-132677678-G-C. GRCh37 (hg19) VCF-style: chr12-133254264-G-C.
Other names: c.620C>G (NM_006231.2); short protein forms T207S.
Identifiers: ClinVar variation 540707 (VCV000540707.9), dbSNP rs748503586, ClinGen allele CA6894252.
Genomic context (GRCh38, chr12:132,677,678, plus strand): 5'-GGAACATCGTACTCGCGCATGTCCACAATGTTGTCCAACTGGTCAGCTATCTTCTTAGAG[G>C]TTTCCTCTTCATCAGTAATGACACCGCCCCTCTGCAGAACACTAGGAATTAACAAGAGAG-3'
Protein context (NP_006222.2, residues 197-217): RGGVITDEEE[Thr207Ser]SKKIADQLDN